The following is an entry in ClinVar:

NM_005609.4(PYGM):c.255C>A (p.Tyr85Ter)

Gene: PYGM (glycogen phosphorylase, muscle associated; minus strand). Cytogenetic location: 11q13.1.
Variant type: single nucleotide variant.
Coding change: c.255C>A on transcript NM_005609.4 (MANE Select); coding-DNA position 255, C replaced by A.
Protein change: p.Tyr85Ter; replaces tyrosine 85 with a stop codon.
Molecular consequence: nonsense. On other transcripts: intron variant (1).
Genome position (GRCh38, 1-based): chr11:64,758,693, G>T on the plus strand (C>A on the coding strand, the complement: PYGM is on the minus strand). VCF-style: chr11-64758693-G-T. GRCh37 (hg19) VCF-style: chr11-64526165-G-T.
Other names: Tyr84*; c.244-427C>A (NM_001164716.1); short protein forms Y85*.
Identifiers: ClinVar variation 139608 (VCV000139608.11), dbSNP rs527236146, ClinGen allele CA345696.

ClinVar aggregate classification (germline): Pathogenic. Review status: criteria provided, multiple submitters, no conflicts (2 of 4 stars). 6 submissions from 6 submitters: Pathogenic (4). 2 of the submissions do not count toward it. Last evaluated 2025-03-26.

Conditions:
PYGM-related disorder. Also called: PYGM-related condition.
Glycogen storage disease, type V (GSD5). Also called: MUSCLE GLYCOGEN PHOSPHORYLASE DEFICIENCY; MYOPHOSPHORYLASE DEFICIENCY; PYGM DEFICIENCY; McArdle type glycogen storage disease; MCARDLE DISEASE. Identifiers: Orphanet 368, MedGen C0017924, MONDO:0009293, OMIM 232600.

Allele frequency attached by ClinVar (database versions not stated): gnomAD exomes below 0.00001.
gnomAD v4.1: 5 of 1,607,044 alleles (0.00031%); highest among the groups gnomAD compares: Non-Finnish European, 0.00043%; no homozygotes.

Submissions (6):

Revvity Omics, Revvity
Classification: Pathogenic for Glycogen storage disease, type V. Last evaluated: 2025-03-26. Review status: criteria provided, single submitter. Criteria: ACMG Guidelines, 2015. Collection method: clinical testing. Allele origin: germline.

Baylor Genetics
Classification: Pathogenic for Glycogen storage disease, type V. Last evaluated: 2023-07-20. Review status: criteria provided, single submitter. Criteria: ACMG Guidelines, 2015. Collection method: clinical testing. Allele origin: unknown.

Blueprint Genetics
Classification: Pathogenic for PYGM-related disorders. Last evaluated: 2022-10-18. Review status: criteria provided, single submitter. Criteria: ACMG Guidelines, 2015. Collection method: clinical testing. Allele origin: germline. Affected: yes. Observed: 3 variant alleles.

Labcorp Genetics (formerly Invitae), Labcorp
Classification: Pathogenic for Glycogen storage disease, type V. Last evaluated: 2022-08-20. Review status: criteria provided, single submitter. Criteria: Invitae Variant Classification Sherloc (09022015). Collection method: clinical testing. Allele origin: germline.
Comment: This sequence change creates a premature translational stop signal (p.Tyr85*) in the PYGM gene. It is expected to result in an absent or disrupted protein product. Loss-of-function variants in PYGM are known to be pathogenic (PMID: 8316268, 16786513). For these reasons, this variant has been classified as Pathogenic. ClinVar contains an entry for this variant (Variation ID: 139608). This variant is also known as Y84X. This premature translational stop signal has been observed in individual(s) with glycogen storage disease (PMID: 12508303). In at least one individual the data is consistent with being in trans (on the opposite chromosome) from a pathogenic variant. This variant is not present in population databases (gnomAD no frequency).

Counsyl
Classification: Likely pathogenic for Glycogen storage disease, type V. Last evaluated: 2015-01-16. Review status: no assertion criteria provided. Collection method: literature only. Allele origin: unknown. Inheritance: Autosomal recessive inheritance. Not counted in ClinVar's aggregate classification.

GeneReviews
No classification provided. Condition: Glycogen storage disease, type V. Review status: no classification provided. Collection method: literature only. Allele origin: germline. Affected: yes. Not counted in ClinVar's aggregate classification.

Literature cited by the submitters: PubMed 8316268 (cited by Labcorp Genetics (formerly Invitae), Labcorp); PubMed 16786513 (cited by Labcorp Genetics (formerly Invitae), Labcorp); PubMed 12508303 (cited by 3 submitters); PubMed 14748827 (cited by Counsyl and GeneReviews); PubMed 17994553 (cited by Counsyl); PubMed 17404776 (cited by Counsyl).